The following is an entry in ClinVar:

NM_020347.4(LZTFL1):c.663G>C (p.Glu221Asp)

Gene: LZTFL1 (leucine zipper transcription factor like 1; minus strand). Cytogenetic location: 3p21.31.
Variant type: single nucleotide variant.
Coding change: c.663G>C on transcript NM_020347.4 (MANE Select); coding-DNA position 663, G replaced by C.
Protein change: p.Glu221Asp; replaces glutamic acid 221 with aspartic acid.
Molecular consequence: missense variant. On other transcripts: non-coding transcript variant (1).
Genome position (GRCh38, 1-based): chr3:45,828,553, C>G on the plus strand (G>C on the coding strand, the complement: LZTFL1 is on the minus strand). VCF-style: chr3-45828553-C-G. GRCh37 (hg19) VCF-style: chr3-45870045-C-G.
Other names: c.612G>C, p.Glu204Asp (NM_001276378.2, NM_001386451.1, NM_001405922.1 and 4 more transcripts); c.651G>C, p.Glu217Asp (NM_001276379.2, NM_001405921.1); c.663G>C, p.Glu221Asp (NM_001386452.1); c.687G>C, p.Glu229Asp (NM_001405920.1, NM_001405925.1); c.597G>C, p.Glu199Asp (NM_001405924.1); c.663G>C (NM_020347.3, NM_020347.2); short protein forms E199D, E217D, E229D, E204D, E221D.
Identifiers: ClinVar variation 1939588 (VCV001939588.5), dbSNP rs908118734, ClinGen allele CA73635300.

ClinVar aggregate classification (germline): Uncertain significance. Review status: criteria provided, multiple submitters, no conflicts (2 of 4 stars). 3 submissions from 3 submitters: Uncertain significance (2). 1 of the submissions does not count toward it. Last evaluated 2025-01-07.

Conditions:
Inborn genetic diseases. Identifiers: MedGen C0950123, MeSH D030342.
LZTFL1-related disorder. Also called: LZTFL1-related condition.

Allele frequency attached by ClinVar (database versions not stated): gnomAD 0.00001; TOPMed 0.00001.
gnomAD v4.1: 31 of 1,614,072 alleles (0.0019%); highest among the groups gnomAD compares: Non-Finnish European, 0.0023%; no homozygotes.

Submissions (3):

Ambry Genetics
Classification: Uncertain significance for Inborn genetic diseases. Last evaluated: 2025-01-07. Review status: criteria provided, single submitter. Criteria: Ambry Variant Classification Scheme 2023. Collection method: clinical testing. Allele origin: germline.

Labcorp Genetics (formerly Invitae), Labcorp
Classification: Uncertain significance. Last evaluated: 2023-05-15. Review status: criteria provided, single submitter. Criteria: Invitae Variant Classification Sherloc (09022015). Collection method: clinical testing. Allele origin: germline.
Comment: This sequence change replaces glutamic acid, which is acidic and polar, with aspartic acid, which is acidic and polar, at codon 221 of the LZTFL1 protein (p.Glu221Asp). In summary, the available evidence is currently insufficient to determine the role of this variant in disease. Therefore, it has been classified as a Variant of Uncertain Significance. Advanced modeling of protein sequence and biophysical properties (such as structural, functional, and spatial information, amino acid conservation, physicochemical variation, residue mobility, and thermodynamic stability) performed at Invitae indicates that this missense variant is not expected to disrupt LZTFL1 protein function. ClinVar contains an entry for this variant (Variation ID: 1939588). This variant has not been reported in the literature in individuals affected with LZTFL1-related conditions. This variant is present in population databases (no rsID available, gnomAD 0.0009%).

PreventionGenetics, part of Exact Sciences
Classification: Uncertain significance for LZTFL1-related condition. Last evaluated: 2024-04-24. Review status: no assertion criteria provided. Collection method: clinical testing. Allele origin: germline. Not counted in ClinVar's aggregate classification.
Comment: The LZTFL1 c.663G>C variant is predicted to result in the amino acid substitution p.Glu221Asp. To our knowledge, this variant has not been reported in the literature. This variant is reported in 0.00088% of alleles in individuals of European (Non-Finnish) descent in gnomAD. At this time, the clinical significance of this variant is uncertain due to the absence of conclusive functional and genetic evidence.